The following is an entry in ClinVar:

ClinVar aggregate classification (germline): Uncertain significance (1 of 4 stars; one submission).

Allele frequency attached by ClinVar (database versions not stated): gnomAD 0.00001; ESP Exome Variant Server 0.00008.
gnomAD v4.1: 53 of 1,611,972 alleles (0.0033%); highest among the groups gnomAD compares: Non-Finnish European, 0.0042%; no homozygotes.

Submission:

Labcorp Genetics (formerly Invitae), Labcorp
Classification: Uncertain significance. Last evaluated: 2022-10-19. Review status: criteria provided, single submitter. Criteria: Invitae Variant Classification Sherloc (09022015). Collection method: clinical testing. Allele origin: germline.
Comment: In summary, the available evidence is currently insufficient to determine the role of this variant in disease. Therefore, it has been classified as a Variant of Uncertain Significance. Algorithms developed to predict the effect of missense changes on protein structure and function are either unavailable or do not agree on the potential impact of this missense change (SIFT: "Deleterious"; PolyPhen-2: "Benign"; Align-GVGD: "Class C0"). This variant has not been reported in the literature in individuals affected with DSTYK-related conditions. This variant is present in population databases (rs370809794, gnomAD 0.006%). This sequence change replaces arginine, which is basic and polar, with glycine, which is neutral and non-polar, at codon 923 of the DSTYK protein (p.Arg923Gly).

NM_015375.3(DSTYK):c.2767A>G (p.Arg923Gly)

Gene: DSTYK (dual serine/threonine and tyrosine protein kinase; minus strand). Cytogenetic location: 1q32.1.
Variant type: single nucleotide variant.
Coding change: c.2767A>G on transcript NM_015375.3 (MANE Select); coding-DNA position 2767, A replaced by G.
Protein change: p.Arg923Gly; replaces arginine 923 with glycine.
Molecular consequence: missense variant.
Genome position (GRCh38, 1-based): chr1:205,147,581, T>C on the plus strand (A>G on the coding strand, the complement: DSTYK is on the minus strand). VCF-style: chr1-205147581-T-C. GRCh37 (hg19) VCF-style: chr1-205116709-T-C.
Other names: c.2632A>G, p.Arg878Gly (NM_199462.3); short protein forms R878G, R923G.
Identifiers: ClinVar variation 2188846 (VCV002188846.4), dbSNP rs370809794, ClinGen allele CA1352509.